The following is an entry in ClinVar:

NM_005245.4(FAT1):c.3166G>T (p.Val1056Leu)

Gene: FAT1 (FAT atypical cadherin 1; minus strand). Cytogenetic location: 4q35.2.
Variant type: single nucleotide variant.
Coding change: c.3166G>T on transcript NM_005245.4 (MANE Select); coding-DNA position 3166, G replaced by T.
Protein change: p.Val1056Leu; replaces valine 1056 with leucine.
Molecular consequence: missense variant.
Genome position (GRCh38, 1-based): chr4:186,706,662, C>A on the plus strand (G>T on the coding strand, the complement: FAT1 is on the minus strand). VCF-style: chr4-186706662-C-A. GRCh37 (hg19) VCF-style: chr4-187627816-C-A.
Other names: c.3166G>T, p.Val1056Leu (NM_001440455.1, NM_001440456.1, NM_001440457.1); short protein forms V1056L.
Identifiers: ClinVar variation 5000467 (VCV005000467.1).

ClinVar aggregate classification (germline): Uncertain significance (1 of 4 stars; one submission).

Conditions:
FAT1-related disorder. Also called: FAT1-related condition.

Submission:

PreventionGenetics, part of Exact Sciences
Classification: Uncertain significance for FAT1-related condition. Last evaluated: 2025-08-19. Review status: criteria provided, single submitter. Criteria: ACMG Guidelines, 2015. Collection method: clinical testing. Allele origin: germline.
Comment: The FAT1 c.3166G>T variant is predicted to result in the amino acid substitution p.Val1056Leu. To our knowledge, this variant has not been reported in the literature or in a large population database (gnomAD), indicating this variant is rare. At this time, the clinical significance of this variant is uncertain due to the absence of conclusive functional and genetic evidence.